The following is an entry in ClinVar:

ClinVar aggregate classification (germline): Uncertain significance (1 of 4 stars; one submission).

Conditions:
Exostoses, multiple, type 2 (EXT2). Also called: Hereditary Multiple Osteochondromatosis, Type II; EXOSTOSES, MULTIPLE, TYPE II. Identifiers: Orphanet 321, MedGen C1851413, MONDO:0007586, OMIM 133701.

Allele frequency attached by ClinVar (database versions not stated): ExAC 0.00001; gnomAD 0.00001; gnomAD exomes 0.00001; TOPMed 0.00001.
gnomAD v4.1: 6 of 1,614,080 alleles (0.00037%); highest among the groups gnomAD compares: Non-Finnish European, 0.00051%; no homozygotes.

Submission:

Labcorp Genetics (formerly Invitae), Labcorp
Classification: Uncertain significance for Exostoses, multiple, type 2. Last evaluated: 2023-09-30. Review status: criteria provided, single submitter. Criteria: Invitae Variant Classification Sherloc (09022015). Collection method: clinical testing. Allele origin: germline.
Comment: In summary, the available evidence is currently insufficient to determine the role of this variant in disease. Therefore, it has been classified as a Variant of Uncertain Significance. Advanced modeling of protein sequence and biophysical properties (such as structural, functional, and spatial information, amino acid conservation, physicochemical variation, residue mobility, and thermodynamic stability) performed at Invitae indicates that this missense variant is not expected to disrupt EXT2 protein function. This variant has not been reported in the literature in individuals affected with EXT2-related conditions. This variant is present in population databases (rs756173823, gnomAD 0.002%). This sequence change replaces valine, which is neutral and non-polar, with methionine, which is neutral and non-polar, at codon 319 of the EXT2 protein (p.Val319Met).

NM_207122.2(EXT2):c.955G>A (p.Val319Met)

Gene: EXT2 (exostosin glycosyltransferase 2; plus strand). Cytogenetic location: 11p11.2.
Variant type: single nucleotide variant.
Coding change: c.955G>A on transcript NM_207122.2 (MANE Select); coding-DNA position 955, G replaced by A.
Protein change: p.Val319Met; replaces valine 319 with methionine.
Molecular consequence: missense variant.
Genome position (GRCh38, 1-based): chr11:44,126,831, G>A. VCF-style: chr11-44126831-G-A. GRCh37 (hg19) VCF-style: chr11-44148381-G-A.
Other names: c.1054G>A, p.Val352Met (NM_000401.3); c.955G>A, p.Val319Met (NM_001178083.3, NM_001389628.1, NM_001389630.1); short protein forms V352M, V319M.
Identifiers: ClinVar variation 2888236 (VCV002888236.3), dbSNP rs756173823, ClinGen allele CA5955060.
Genomic context (GRCh38, chr11:44,126,831, plus strand): 5'-CAGCAAAACTAGTTTGTAATCTCTTGCCTCTTTGTGTTCCTGCAGGAGGCTACTTTCTGT[G>A]TGGTTCTTCGTGGAGCTCGGCTGGGCCAGGCAGTATTGAGCGATGTGTTACAAGCTGGCT-3'
Protein context (NP_997005.1, residues 309-329): PQVLQEATFC[Val319Met]VLRGARLGQA